The following is an entry in ClinVar:

ClinVar aggregate classification (germline): Uncertain significance (1 of 4 stars; one submission).

Allele frequency attached by ClinVar (database versions not stated): gnomAD 0.00001; TOPMed 0.00001; ExAC 0.00007.
gnomAD v4.1: 5 of 1,587,060 alleles (0.00032%); highest among the groups gnomAD compares: East Asian, 0.0094%; no homozygotes.

Submission:

Labcorp Genetics (formerly Invitae), Labcorp
Classification: Uncertain significance. Last evaluated: 2021-08-28. Review status: criteria provided, single submitter. Criteria: Invitae Variant Classification Sherloc (09022015). Collection method: clinical testing. Allele origin: germline.
Comment: This sequence change replaces glycine with glutamic acid at codon 221 of the MESP2 protein (p.Gly221Glu). The glycine residue is highly conserved and there is a moderate physicochemical difference between glycine and glutamic acid. This variant is present in population databases (rs763014555, ExAC 0.2%). This variant has not been reported in the literature in individuals affected with MESP2-related conditions. Algorithms developed to predict the effect of missense changes on protein structure and function output the following: SIFT: "Tolerated"; PolyPhen-2: "Benign"; Align-GVGD: "Class C0". The glutamic acid amino acid residue is found in multiple mammalian species, which suggests that this missense change does not adversely affect protein function. In summary, the available evidence is currently insufficient to determine the role of this variant in disease. Therefore, it has been classified as a Variant of Uncertain Significance.

NM_001039958.2(MESP2):c.662G>A (p.Gly221Glu)

Gene: MESP2 (mesoderm posterior bHLH transcription factor 2; plus strand). Cytogenetic location: 15q26.1.
Variant type: single nucleotide variant.
Coding change: c.662G>A on transcript NM_001039958.2 (MANE Select); coding-DNA position 662, G replaced by A.
Protein change: p.Gly221Glu; replaces glycine 221 with glutamic acid.
Molecular consequence: missense variant.
Genome position (GRCh38, 1-based): chr15:89,777,019, G>A. VCF-style: chr15-89777019-G-A. GRCh37 (hg19) VCF-style: chr15-90320250-G-A.
Other names: short protein forms G221E.
Identifiers: ClinVar variation 1498218 (VCV001498218.5), dbSNP rs763014555, ClinGen allele CA7730476.